The following is an entry in ClinVar:

ClinVar aggregate classification (germline): Uncertain significance (1 of 4 stars; one submission).

Conditions:
Inborn genetic diseases. Identifiers: MedGen C0950123, MeSH D030342.

Allele frequency attached by ClinVar (database versions not stated): TOPMed 0.00001.

Submission:

Ambry Genetics
Classification: Uncertain significance for Inborn genetic diseases. Last evaluated: 2025-01-02. Review status: criteria provided, single submitter. Criteria: Ambry Variant Classification Scheme 2023. Collection method: clinical testing. Allele origin: germline.
Comment: The p.S970G variant (also known as c.2908A>G), located in coding exon 13 of the ASXL1 gene, results from an A to G substitution at nucleotide position 2908. The serine at codon 970 is replaced by glycine, an amino acid with similar properties. This amino acid position is conserved. In addition, this alteration is predicted to be tolerated by in silico analysis. Based on the available evidence, the clinical significance of this variant remains unclear.

NM_015338.6(ASXL1):c.2908A>G (p.Ser970Gly)

Gene: ASXL1 (ASXL transcriptional regulator 1; plus strand). Cytogenetic location: 20q11.21.
Variant type: single nucleotide variant.
Coding change: c.2908A>G on transcript NM_015338.6 (MANE Select); coding-DNA position 2908, A replaced by G.
Protein change: p.Ser970Gly; replaces serine 970 with glycine.
Molecular consequence: missense variant.
Genome position (GRCh38, 1-based): chr20:32,435,620, A>G. VCF-style: chr20-32435620-A-G. GRCh37 (hg19) VCF-style: chr20-31023423-A-G.
Other names: c.2725A>G, p.Ser909Gly (NM_001363734.1); short protein forms S970G, S909G.
Identifiers: ClinVar variation 3791828 (VCV003791828.1), dbSNP rs886056601.